The following is an entry in ClinVar:

ClinVar aggregate classification (germline): Uncertain significance (1 of 4 stars; one submission).

Conditions:
Hereditary cancer-predisposing syndrome. Also called: Hereditary Cancer Syndrome; Neoplastic Syndromes, Hereditary; Tumor predisposition; Hereditary neoplastic syndrome. Identifiers: Orphanet 140162, MedGen C0027672, MeSH D009386, MONDO:0015356.

Submission:

Ambry Genetics
Classification: Uncertain significance for Hereditary cancer-predisposing syndrome. Last evaluated: 2026-08-27. Review status: criteria provided, single submitter. Criteria: Ambry Variant Classification Scheme 2023. Collection method: clinical testing. Allele origin: germline.
Comment: The c.4576_4577delGAinsCC variant (also known as p.E1526P), located in coding exon 29 of the ALK gene, results from an in-frame deletion of GA and insertion of CC at nucleotide positions 4576 to 4577. This results in the substitution of the glutamic acid residue for a proline residue at codon 1526, an amino acid with similar properties. This amino acid position is not well conserved in available vertebrate species. In addition, the in silico prediction for this variant is inconclusive (Choi Y et al. PLoS ONE. 2012; 7(10):e46688). Based on the available evidence, the clinical significance of this variant remains unclear.

NM_004304.5(ALK):c.4576_4577delinsCC (p.Glu1526Pro)

Gene: ALK (ALK receptor tyrosine kinase; minus strand). Cytogenetic location: 2p23.2.
Variant type: Indel.
Coding change: c.4576_4577delinsCC on transcript NM_004304.5 (MANE Select); coding-DNA positions 4576 to 4577, GA replaced by CC.
Protein change: p.Glu1526Pro; replaces glutamic acid 1526 with proline.
Molecular consequence: missense variant.
Genome position (GRCh38, 1-based): chr2:29,193,510-29,193,511, TC replaced by GG on the plus strand (GA replaced by CC on the coding strand, the reverse complement: ALK is on the minus strand). VCF-style: chr2-29193510-TC-GG. GRCh37 (hg19) VCF-style: chr2-29416376-TC-GG.
Other names: c.1372_1373delinsCC, p.Glu458Pro (NM_001353765.2); short protein forms E1526P, E458P.
Identifiers: ClinVar variation 5035620 (VCV005035620.1).